The following is an entry in ClinVar:

ClinVar aggregate classification (germline): Likely benign. Review status: criteria provided, multiple submitters, no conflicts (2 of 4 stars). 2 submissions from 2 submitters: Likely benign (2). Last evaluated 2025-05-28.

Conditions:
3-methylcrotonyl-CoA carboxylase 2 deficiency. Also called: METHYLCROTONYLGLYCINURIA, TYPE II; 3 alpha methylcrotonyl-CoA carboxylase 2 deficiency; 3 alpha methylcrotonylglycinuria 2; MCC 2 deficiency; Methylcrotonylglycinuria type 2. Identifiers: Orphanet 6, MedGen C1859499, MONDO:0008862, OMIM 210210.
MCCC2-related disorder. Also called: MCCC2-related condition.

Allele frequency attached by ClinVar (database versions not stated): gnomAD exomes below 0.00001; gnomAD 0.00001; TOPMed 0.00001.
gnomAD v4.1: 4 of 1,613,550 alleles (0.00025%); highest among the groups gnomAD compares: African/African-American, 0.0013%; no homozygotes.

Submissions (2):

PreventionGenetics, part of Exact Sciences
Classification: Likely benign for MCCC2-related condition. Last evaluated: 2025-05-28. Review status: criteria provided, single submitter. Criteria: ACMG Guidelines, 2015. Collection method: clinical testing. Allele origin: germline.
Comment: This variant is classified as likely benign based on ACMG/AMP sequence variant interpretation guidelines (Richards et al. 2015 PMID: 25741868, with internal and published modifications).

Labcorp Genetics (formerly Invitae), Labcorp
Classification: Likely benign for 3-methylcrotonyl-CoA carboxylase 2 deficiency. Last evaluated: 2023-11-21. Review status: criteria provided, single submitter. Criteria: Invitae Variant Classification Sherloc (09022015). Collection method: clinical testing. Allele origin: germline.

NM_022132.5(MCCC2):c.804-4G>A

Gene: MCCC2 (methylcrotonyl-CoA carboxylase subunit 2; plus strand). Cytogenetic location: 5q13.2.
Variant type: single nucleotide variant.
Coding change: c.804-4G>A on transcript NM_022132.5 (MANE Select); 4 bases into the intron before coding-DNA position 804, G replaced by A.
Molecular consequence: intron variant.
Genome position (GRCh38, 1-based): chr5:71,634,939, G>A. VCF-style: chr5-71634939-G-A. GRCh37 (hg19) VCF-style: chr5-70930766-G-A.
Other names: c.804-4G>A (NM_022132.4); c.690-4G>A (NM_001363147.1).
Identifiers: ClinVar variation 2879403 (VCV002879403.4), dbSNP rs1198154648, ClinGen allele CA813646610.
Genomic context (GRCh38, chr5:71,634,939, plus strand): 5'-ACCTGAGATATTTAATTATTTTCCTTTTCCCTGTTCTGACAAGTTTAGTTTGCTTATTCT[G>A]TAGAAAGTCTGGAGTAAGTGACCACTGGGCTTTGGATGATCATCATGCCCTTCACTTAAC-3'